The following is an entry in ClinVar:

ClinVar aggregate classification (germline): Conflicting classifications of pathogenicity. Review status: criteria provided, conflicting classifications (1 of 4 stars). 12 submissions from 12 submitters: Uncertain significance (2); Benign (1); Likely benign (9). Last evaluated 2026-09-01.

Conditions:
Tuberous sclerosis syndrome (TSC). Also called: Tuberous sclerosis; Tuberous Sclerosis Complex. Identifiers: Orphanet 805, MedGen C0041341, MONDO:0001734.
Tuberous sclerosis 2 (TSC2). Identifiers: Orphanet 805, MedGen C1860707, MONDO:0013199, OMIM 613254.
Hereditary cancer-predisposing syndrome. Also called: Neoplastic Syndromes, Hereditary; Tumor predisposition; Hereditary Cancer Syndrome; Hereditary neoplastic syndrome. Identifiers: Orphanet 140162, MedGen C0027672, MeSH D009386, MONDO:0015356.

Allele frequency attached by ClinVar (database versions not stated): TOPMed 0.00002; gnomAD 0.00003; gnomAD exomes 0.00003 and 0.00004; ExAC 0.00004.
gnomAD v4.1: 52 of 1,613,438 alleles (0.0032%); highest among the groups gnomAD compares: Non-Finnish European, 0.0035%; no homozygotes.

Submissions (12):

CeGaT Center for Human Genetics Tuebingen
Classification: Likely benign. Last evaluated: 2026-09-01. Review status: criteria provided, single submitter. Criteria: CeGaT Center For Human Genetics Tuebingen Variant Classification Criteria Version 2. Collection method: clinical testing. Allele origin: germline. Affected: yes. Observed: 2 variant alleles.
Comment: TSC2: BS2

Labcorp Genetics (formerly Invitae), Labcorp
Classification: Likely benign for Tuberous sclerosis 2. Last evaluated: 2026-01-18. Review status: criteria provided, single submitter. Criteria: Invitae Variant Classification Sherloc (09022015). Collection method: clinical testing. Allele origin: germline.

Myriad Genetics, Inc.
Classification: Likely benign for Tuberous sclerosis 2. Last evaluated: 2025-05-16. Review status: criteria provided, single submitter. Criteria: Myriad Autosomal Dominant, Autosomal Recessive and X-Linked Classification Criteria (2023). Collection method: clinical testing. Allele origin: unknown.
Comment: This variant is considered likely benign. This variant has been observed at a population frequency that is significantly greater than expected given the associated disease prevalence and penetrance.

All of Us Research Program, National Institutes of Health
Classification: Likely benign for Tuberous sclerosis syndrome. Last evaluated: 2024-08-13. Review status: criteria provided, single submitter. Criteria: ACMG Guidelines, 2015. Collection method: clinical testing. Allele origin: germline. Inheritance: Autosomal dominant inheritance. Observed: 8 variant alleles, 8 heterozygotes.
Comment: This study involves interpretation of variants in research participants for the purpose of population health screening. Participant phenotype was not available at the time of variant classification. Additional details can be found in publication PMID: 35346344, PMCID: PMC8962531

Women's Health and Genetics/Laboratory Corporation of America, LabCorp
Classification: Likely benign. Last evaluated: 2023-02-15. Review status: criteria provided, single submitter. Criteria: LabCorp Variant Classification Summary - May 2015. Collection method: clinical testing. Allele origin: germline.
Comment: Variant summary: TSC2 c.1915C>T (p.Arg639Trp) results in a non-conservative amino acid change in the encoded protein sequence. Five of five in-silico tools predict a damaging effect of the variant on protein function. The variant allele was found at a frequency of 4e-05 in 250400 control chromosomes. This frequency is not significantly higher than estimated for a pathogenic variant in TSC2 causing Tuberous Sclerosis Complex (4e-05 vs 6.9e-05), allowing no conclusion about variant significance. c.1915C>T has been reported in the literature in individuals affected with Tuberous Sclerosis Complex. These reports do not provide unequivocal conclusions about association of the variant with Tuberous Sclerosis Complex. At least one publication reports experimental evidence evaluating an impact on protein function. These results showed no damaging effect of this variant (Rosengren_2020). Seven clinical diagnostic laboratories have submitted clinical-significance assessments for this variant to ClinVar after 2014 without evidence for independent evaluation. Multiple laboratories reported the variant with conflicting assessments (likely benign n=5, VUS n=2). Based on the evidence outlined above, the variant was classified as likely benign.

Quest Diagnostics Nichols Institute San Juan Capistrano
Classification: Benign. Last evaluated: 2022-10-10. Review status: criteria provided, single submitter. Criteria: Quest Diagnostics criteria. Collection method: clinical testing. Allele origin: unknown.
Comment: The frequency of this variant in the general population is higher than would generally be expected for pathogenic variants in this gene. This variant has been seen where an alternate explanation for disease was also identified. Assessment of experimental evidence regarding the effect of this variant on protein function suggests it has no effect relevant to disease (PMID:PMID 32555378).

Color Diagnostics, LLC DBA Color Health
Classification: Likely benign for Tuberous sclerosis syndrome. Last evaluated: 2022-08-31. Review status: criteria provided, single submitter. Criteria: ACMG Guidelines, 2015. Collection method: clinical testing. Allele origin: germline.

Ambry Genetics
Classification: Likely benign for Hereditary cancer-predisposing syndrome. Last evaluated: 2022-03-31. Review status: criteria provided, single submitter. Criteria: Ambry Variant Classification Scheme 2023. Collection method: clinical testing. Allele origin: germline.

Sema4
Classification: Uncertain significance for Hereditary cancer-predisposing syndrome. Last evaluated: 2021-12-07. Review status: criteria provided, single submitter. Criteria: Sema4 Curation Guidelines. Collection method: curation. Allele origin: germline.
Comment: The TSC2 c.1915C>T (p.R639W) variant has been reported in heterozygosity in at least 1 individual with suspected tuberous sclerosis complex (PMID: 32555378). This variant was observed in 3/10038 chromosomes in the Ashkenazi Jewish subpopulation, according to the Genome Aggregation Database (PMID: 32461654). This variant has been reported in ClinVar (Variation ID: 207723). In silico predictions of the variant's effect on protein function are inconclusive; however in vitro functional assay study demonstrated the normal function of the protein (PMID: 32555378). Based on the current evidence available, this variant is interpreted as a variant of uncertain significance.

Genome-Nilou Lab
Classification: Likely benign for Tuberous sclerosis 2. Last evaluated: 2021-11-07. Review status: criteria provided, single submitter. Criteria: ACMG Guidelines, 2015. Collection method: clinical testing. Allele origin: germline. Affected: no.

GeneDx
Classification: Likely benign. Last evaluated: 2020-10-19. Review status: criteria provided, single submitter. Criteria: GeneDx Variant Classification Process June 2021. Collection method: clinical testing. Allele origin: germline. Affected: yes.
Comment: This variant is associated with the following publications: (PMID: 28687356, 32555378)

ARUP Laboratories, Molecular Genetics and Genomics, ARUP Laboratories
Classification: Uncertain significance. Last evaluated: 2020-03-19. Review status: criteria provided, single submitter. Criteria: ARUP Molecular Germline Variant Investigation Process. Collection method: clinical testing. Allele origin: germline.
Comment: The TSC2 c.1915C>T; p.Arg639Trp variant (rs766451267) is reported in the literature in an individual with malignant pleural mesothelioma and a family history of breast cancer, but this individual also carried a variant of uncertain significance in FANCA (Betti 2017). The p.Arg639Trp variant is reported in the ClinVar database (Variation ID: 207723). It is found in the general population with an overall allele frequency of 0.004% (10/250400 alleles) in the Genome Aggregation Database. The arginine at codon 639 is highly conserved, and computational analyses (SIFT, PolyPhen-2) predict that this variant is deleterious. However, due to limited information, the clinical significance of this variant is uncertain at this time. REFERENCES Betti M et al. Germline mutations in DNA repair genes predispose asbestos-exposed patients to malignant pleural mesothelioma. Cancer Lett. 2017 Oct 1;405:38-45.

Literature cited by the submitters: PubMed 28687356 (cited by 3 submitters); PubMed 32555378 (cited by 3 submitters); PubMed 29641532 (cited by Ambry Genetics).

NM_000548.5(TSC2):c.1915C>T (p.Arg639Trp)

Gene: TSC2 (TSC complex subunit 2; plus strand). Cytogenetic location: 16p13.3.
Variant type: single nucleotide variant.
Coding change: c.1915C>T on transcript NM_000548.5 (MANE Select); coding-DNA position 1915, C replaced by T.
Protein change: p.Arg639Trp; replaces arginine 639 with tryptophan.
Molecular consequence: missense variant.
Genome position (GRCh38, 1-based): chr16:2,071,585, C>T. VCF-style: chr16-2071585-C-T. GRCh37 (hg19) VCF-style: chr16-2121586-C-T.
Other names: p.R639W:CGG>TGG; c.1915C>T, p.Arg639Trp (NM_001077183.3, NM_001114382.3, NM_001363528.2 and 3 more transcripts); c.1804C>T, p.Arg602Trp (NM_001318827.2); c.1768C>T, p.Arg590Trp (NM_001318829.2); c.1315C>T, p.Arg439Trp (NM_001318831.2); c.1948C>T, p.Arg650Trp (NM_001318832.2); c.1915C>T (NM_000548.4); short protein forms R639W, R602W, R439W, R590W, R650W.
Identifiers: ClinVar variation 207723 (VCV000207723.59), dbSNP rs766451267, ClinGen allele CA034455.